The following is an entry in ClinVar:

NM_001129.5(AEBP1):c.337T>A (p.Ser113Thr)

Gene: AEBP1 (AE binding protein 1; plus strand). Cytogenetic location: 7p13.
Variant type: single nucleotide variant.
Coding change: c.337T>A on transcript NM_001129.5 (MANE Select); coding-DNA position 337, T replaced by A.
Protein change: p.Ser113Thr; replaces serine 113 with threonine.
Molecular consequence: missense variant.
Genome position (GRCh38, 1-based): chr7:44,106,629, T>A. VCF-style: chr7-44106629-T-A. GRCh37 (hg19) VCF-style: chr7-44146228-T-A.
Other names: short protein forms S113T.
Identifiers: ClinVar variation 3371260 (VCV003371260.1).
Genomic context (GRCh38, chr7:44,106,629, plus strand): 5'-AAAGGGAAGAAAGGCAAGAAAGACAAAGGCCCCAAGGTGCCCAAGGAGTCCTTGGAGGGG[T>A]CCCCCAGGCCGCCCAAGAAGGGGAAGGAGAAGCCACCCAAGGCCACCAAGAAGCCCAAGG-3'
Protein context (NP_001120.3, residues 103-123): PKVPKESLEG[Ser113Thr]PRPPKKGKEK

ClinVar aggregate classification (germline): Uncertain significance (1 of 4 stars; one submission).

gnomAD v4.1: 90 of 1,602,926 alleles (0.0056%); highest among the groups gnomAD compares: South Asian, 0.097%; no homozygotes.

Submission:

GeneDx
Classification: Uncertain significance. Last evaluated: 2024-03-22. Review status: criteria provided, single submitter. Criteria: GeneDx Variant Classification Process June 2021. Collection method: clinical testing. Allele origin: germline. Affected: yes.
Comment: In silico analysis supports that this missense variant does not alter protein structure/function; Has not been previously published as pathogenic or benign to our knowledge